The following is an entry in ClinVar:

NM_012452.3(TNFRSF13B):c.61+2T>C

Gene: TNFRSF13B (TNF receptor superfamily member 13B; minus strand). Cytogenetic location: 17p11.2.
Variant type: single nucleotide variant.
Coding change: c.61+2T>C on transcript NM_012452.3 (MANE Select); the canonical splice donor site of the intron after coding-DNA position 61, T replaced by C.
Molecular consequence: splice donor variant.
Genome position (GRCh38, 1-based): chr17:16,972,013, A>G on the plus strand (T>C on the coding strand, the complement: TNFRSF13B is on the minus strand). VCF-style: chr17-16972013-A-G. GRCh37 (hg19) VCF-style: chr17-16875327-A-G.
Identifiers: ClinVar variation 1436172 (VCV001436172.6), dbSNP rs760885614, ClinGen allele CA398520575.

ClinVar aggregate classification (germline): Pathogenic (1 of 4 stars; one submission).

Conditions:
Immunodeficiency, common variable, 2 (CVID2). Also called: HYPOGAMMAGLOBULINEMIA DUE TO TACI DEFICIENCY; ANTIBODY DEFICIENCY DUE TO TACI DEFECT. Identifiers: Orphanet 1572, MedGen C3150354, MONDO:0009413, OMIM 240500.

Submission:

Labcorp Genetics (formerly Invitae), Labcorp
Classification: Pathogenic for Immunodeficiency, common variable, 2. Last evaluated: 2023-03-01. Review status: criteria provided, single submitter. Criteria: Invitae Variant Classification Sherloc (09022015). Collection method: clinical testing. Allele origin: germline.
Comment: Disruption of this splice site has been observed in individual(s) with common variable immunodeficiency (PMID: 19629655). This variant is not present in population databases (gnomAD no frequency). This sequence change affects a donor splice site in intron 1 of the TNFRSF13B gene. It is expected to disrupt RNA splicing. Variants that disrupt the donor or acceptor splice site typically lead to a loss of protein function (PMID: 16199547), and loss-of-function variants in TNFRSF13B are known to be pathogenic (PMID: 16007087, 27123465). ClinVar contains an entry for this variant (Variation ID: 1436172). For these reasons, this variant has been classified as Pathogenic. Algorithms developed to predict the effect of sequence changes on RNA splicing suggest that this variant may disrupt the consensus splice site. Studies have shown that disruption of this splice site alters TNFRSF13B gene expression (PMID: 19629655).

Literature cited by the submitters: PubMed 19629655; PubMed 16199547; PubMed 16007087; PubMed 27123465.